The following is an entry in ClinVar:

NM_003239.5(TGFB3):c.1093T>C (p.Tyr365His)

Gene: TGFB3 (transforming growth factor beta 3; minus strand). Cytogenetic location: 14q24.3.
Variant type: single nucleotide variant.
Coding change: c.1093T>C on transcript NM_003239.5 (MANE Select); coding-DNA position 1093, T replaced by C.
Protein change: p.Tyr365His; replaces tyrosine 365 with histidine.
Molecular consequence: missense variant.
Genome position (GRCh38, 1-based): chr14:75,959,333, A>G on the plus strand (T>C on the coding strand, the complement: TGFB3 is on the minus strand). VCF-style: chr14-75959333-A-G. GRCh37 (hg19) VCF-style: chr14-76425676-A-G.
Other names: c.1093T>C, p.Tyr365His (NM_001329939.2); short protein forms Y365H.
Identifiers: ClinVar variation 3908004 (VCV003908004.1).

ClinVar aggregate classification (germline): Uncertain significance (1 of 4 stars; one submission).

Submission:

GeneDx
Classification: Uncertain significance. Last evaluated: 2024-12-26. Review status: criteria provided, single submitter. Criteria: GeneDx Variant Classification Process June 2021. Collection method: clinical testing. Allele origin: germline. Affected: yes.
Comment: Not observed at significant frequency in large population cohorts (gnomAD); In silico analysis supports that this missense variant has a deleterious effect on protein structure/function; Has not been previously published as pathogenic or benign to our knowledge